The following is an entry in ClinVar:

ClinVar aggregate classification (germline): Likely benign (1 of 4 stars; one submission).

Conditions:
DCTN1-related disorder. Also called: DCTN1-related condition.

gnomAD v4.1: 6 of 1,614,204 alleles (0.00037%); highest among the groups gnomAD compares: South Asian, 0.0066%; 1 homozygote.

Submission:

PreventionGenetics, part of Exact Sciences
Classification: Likely benign for DCTN1-related condition. Last evaluated: 2025-03-29. Review status: criteria provided, single submitter. Criteria: ACMG Guidelines, 2015. Collection method: clinical testing. Allele origin: germline.
Comment: This variant is classified as likely benign based on ACMG/AMP sequence variant interpretation guidelines (Richards et al. 2015 PMID: 25741868, with internal and published modifications).

NM_004082.5(DCTN1):c.3109C>T (p.Leu1037=)

Gene: DCTN1 (dynactin subunit 1; minus strand). Cytogenetic location: 2p13.1.
Variant type: single nucleotide variant.
Coding change: c.3109C>T on transcript NM_004082.5 (MANE Select); coding-DNA position 3109, C replaced by T.
Protein change: p.Leu1037=; no amino-acid change (leucine 1037 retained).
Molecular consequence: synonymous variant. On other transcripts: non-coding transcript variant (1).
Genome position (GRCh38, 1-based): chr2:74,365,162, G>A on the plus strand (C>T on the coding strand, the complement: DCTN1 is on the minus strand). VCF-style: chr2-74365162-G-A. GRCh37 (hg19) VCF-style: chr2-74592289-G-A.
Other names: c.3049C>T, p.Leu1017= (NM_001135040.3); c.2707C>T, p.Leu903= (NM_001135041.3, NM_023019.4); c.2998C>T, p.Leu1000= (NM_001190836.2); c.3088C>T, p.Leu1030= (NM_001190837.2); c.3058C>T, p.Leu1020= (NM_001378991.1); c.3040C>T, p.Leu1014= (NM_001378992.1).
Identifiers: ClinVar variation 4985698 (VCV004985698.1).
Genomic context (GRCh38, chr2:74,365,162, plus strand): 5'-CAATGCCTGAAGGAGGAGGGCCCCGGAGTCCCTCAATCGTGCGTTTGGACTGGCTGTTCA[G>A]ACGCTGCTTTAGTTCTGCCTTCTCTGCCTCCAGCTGGTCGATGTCAGCCTGGAGTGCATC-3'
Protein context (NP_004073.2, residues 1027-1047): EAEKAELKQR[Leu1037=]NSQSKRTIEG